The following is an entry in ClinVar:

ClinVar aggregate classification (germline): Uncertain significance (1 of 4 stars; one submission).

gnomAD v4.1: 2 of 1,613,144 alleles (0.00012%); highest among the groups gnomAD compares: East Asian, 0.0022%; no homozygotes.

Submission:

GeneDx
Classification: Uncertain significance. Last evaluated: 2023-11-02. Review status: criteria provided, single submitter. Criteria: GeneDx Variant Classification Process June 2021. Collection method: clinical testing. Allele origin: germline. Affected: yes.
Comment: Not observed at significant frequency in large population cohorts (gnomAD); In silico analysis supports that this missense variant does not alter protein structure/function; Has not been previously published as pathogenic or benign to our knowledge

NM_001368809.2(AMPD2):c.779C>T (p.Thr260Ile)

Gene: AMPD2 (adenosine monophosphate deaminase 2; plus strand). Cytogenetic location: 1p13.3.
Variant type: single nucleotide variant.
Coding change: c.779C>T on transcript NM_001368809.2 (MANE Select); coding-DNA position 779, C replaced by T.
Protein change: p.Thr260Ile; replaces threonine 260 with isoleucine.
Molecular consequence: missense variant.
Genome position (GRCh38, 1-based): chr1:109,627,235, C>T. VCF-style: chr1-109627235-C-T. GRCh37 (hg19) VCF-style: chr1-110169857-C-T.
Other names: c.587C>T, p.Thr196Ile (NM_001257361.2); c.716C>T, p.Thr239Ile (NM_001308170.1); c.779C>T, p.Thr260Ile (NM_004037.9); c.698C>T, p.Thr233Ile (NM_139156.4); short protein forms T196I, T233I, T239I, T260I.
Identifiers: ClinVar variation 3363721 (VCV003363721.1).
Genomic context (GRCh38, chr1:109,627,235, plus strand): 5'-ATGCCCCGGTGCACCCCCCTGCGCTGGAGCAGCACCCGTATGAGCACTGTGAGCCAAGCA[C>T]CATGCCTGGGGACCTGGGCTTGGGTCTGCGCATGGTGCGGGGTGTGGTGCACGTCTACAC-3'
Protein context (NP_001355738.1, residues 250-270): QHPYEHCEPS[Thr260Ile]MPGDLGLGLR